The following is an entry in ClinVar:

ClinVar aggregate classification (germline): Uncertain significance (1 of 4 stars; one submission).

Conditions:
Deficiency of aromatic-L-amino-acid decarboxylase. Also called: Aromatic amino acid decarboxylase deficiency; Aromatic L-Amino Acid Decarboxylase Deficiency; AADC DEFICIENCY; DDC DEFICIENCY; DOPA DECARBOXYLASE DEFICIENCY. Identifiers: Orphanet 35708, MedGen C1291564, MONDO:0012084, OMIM 608643.

Allele frequency attached by ClinVar (database versions not stated): gnomAD exomes below 0.00001 and 0.00001; ExAC 0.00001; gnomAD 0.00001; TOPMed 0.00002.
gnomAD v4.1: 11 of 1,614,032 alleles (0.00068%); highest among the groups gnomAD compares: East Asian, 0.0022%; no homozygotes.

Submission:

Labcorp Genetics (formerly Invitae), Labcorp
Classification: Uncertain significance for Deficiency of aromatic-L-amino-acid decarboxylase. Last evaluated: 2022-07-05. Review status: criteria provided, single submitter. Criteria: Invitae Variant Classification Sherloc (09022015). Collection method: clinical testing. Allele origin: germline.
Comment: This variant is present in population databases (rs752108612, gnomAD 0.003%). In summary, the available evidence is currently insufficient to determine the role of this variant in disease. Therefore, it has been classified as a Variant of Uncertain Significance. Algorithms developed to predict the effect of missense changes on protein structure and function output the following: SIFT: "Tolerated"; PolyPhen-2: "Benign"; Align-GVGD: "Class C0". The histidine amino acid residue is found in multiple mammalian species, which suggests that this missense change does not adversely affect protein function. ClinVar contains an entry for this variant (Variation ID: 1383298). This variant has not been reported in the literature in individuals affected with DDC-related conditions. This sequence change replaces arginine, which is basic and polar, with histidine, which is basic and polar, at codon 393 of the DDC protein (p.Arg393His).

NM_001082971.2(DDC):c.1178G>A (p.Arg393His)

Gene: DDC (dopa decarboxylase; minus strand). Cytogenetic location: 7p12.2.
Variant type: single nucleotide variant.
Coding change: c.1178G>A on transcript NM_001082971.2 (MANE Select); coding-DNA position 1178, G replaced by A.
Protein change: p.Arg393His; replaces arginine 393 with histidine.
Molecular consequence: missense variant.
Genome position (GRCh38, 1-based): chr7:50,467,278, C>T on the plus strand (G>A on the coding strand, the complement: DDC is on the minus strand). VCF-style: chr7-50467278-C-T. GRCh37 (hg19) VCF-style: chr7-50534976-C-T.
Other names: c.1178G>A, p.Arg393His (NM_000790.4); c.1064G>A, p.Arg355His (NM_001242886.2); c.1034G>A, p.Arg345His (NM_001242887.2); c.944G>A, p.Arg315His (NM_001242888.2); c.899G>A, p.Arg300His (NM_001242889.2); short protein forms R355H, R393H, R300H, R315H, R345H.
Identifiers: ClinVar variation 1383298 (VCV001383298.4), dbSNP rs752108612, ClinGen allele CA4262035.